The following is an entry in ClinVar:

NM_017617.5(NOTCH1):c.3902-5C>T

Gene: NOTCH1 (notch receptor 1; minus strand). Cytogenetic location: 9q34.3.
Variant type: single nucleotide variant.
Coding change: c.3902-5C>T on transcript NM_017617.5 (MANE Select); 5 bases into the intron before coding-DNA position 3902, C replaced by T.
Molecular consequence: intron variant.
Genome position (GRCh38, 1-based): chr9:136,506,644, G>A on the plus strand (C>T on the coding strand, the complement: NOTCH1 is on the minus strand). VCF-style: chr9-136506644-G-A. GRCh37 (hg19) VCF-style: chr9-139401096-G-A.
Other names: c.3902-5C>T (NM_017617.3).
Identifiers: ClinVar variation 2061822 (VCV002061822.5), dbSNP rs1370033409, ClinGen allele CA2580080919.

ClinVar aggregate classification (germline): Conflicting classifications of pathogenicity. Review status: criteria provided, conflicting classifications (1 of 4 stars). 2 submissions from 2 submitters: Uncertain significance (1); Likely benign (1). Last evaluated 2025-09-17.

Conditions:
Familial thoracic aortic aneurysm and aortic dissection (TAAD). Also called: Thoracic aortic aneurysms and dissections. Identifiers: Orphanet 91387, MedGen C4707243, MONDO:0019625.
Adams-Oliver syndrome 5 (AOS5). Identifiers: Orphanet 974, MedGen C4014970, MONDO:0014459, OMIM 616028.

gnomAD v4.1: 3 of 1,604,130 alleles (0.00019%); highest among the groups gnomAD compares: Non-Finnish European, 0.00026%; no homozygotes.

Submissions (2):

Ambry Genetics
Classification: Uncertain significance for Familial thoracic aortic aneurysm and aortic dissection. Last evaluated: 2025-09-17. Review status: criteria provided, single submitter. Criteria: Ambry Variant Classification Scheme 2023. Collection method: clinical testing. Allele origin: germline.
Comment: The c.3902-5C>T intronic variant results from a C to T substitution 5 nucleotides upstream from coding exon 24 in the NOTCH1 gene. This nucleotide position is well conserved in available vertebrate species. In silico splice site analysis predicts that this alteration will not have any significant effect on splicing. Based on the available evidence, the clinical significance of this variant remains unclear.

Labcorp Genetics (formerly Invitae), Labcorp
Classification: Likely benign for Adams-Oliver syndrome 5. Last evaluated: 2024-09-10. Review status: criteria provided, single submitter. Criteria: Invitae Variant Classification Sherloc (09022015). Collection method: clinical testing. Allele origin: germline.